The following is an entry in ClinVar:

NM_000238.4(KCNH2):c.2352G>A (p.Arg784=)

Gene: KCNH2 (potassium voltage-gated channel subfamily H member 2; minus strand). Cytogenetic location: 7q36.1.
Variant type: single nucleotide variant.
Coding change: c.2352G>A on transcript NM_000238.4 (MANE Select); coding-DNA position 2352, G replaced by A.
Protein change: p.Arg784=; no amino-acid change (arginine 784 retained).
Molecular consequence: synonymous variant. On other transcripts: non-coding transcript variant (2).
Genome position (GRCh38, 1-based): chr7:150,950,214, C>T on the plus strand (G>A on the coding strand, the complement: KCNH2 is on the minus strand). VCF-style: chr7-150950214-C-T. GRCh37 (hg19) VCF-style: chr7-150647302-C-T.
Other names: c.1332G>A, p.Arg444= (NM_001204798.2, NM_172057.3); c.2064G>A, p.Arg688= (NM_001406753.1, NM_001406756.1); c.2175G>A, p.Arg725= (NM_001406755.1); c.2052G>A, p.Arg684= (NM_001406757.1); c.2352G>A, p.Arg784= (NM_172056.3).
Identifiers: ClinVar variation 3073551 (VCV003073551.1), dbSNP rs2486024913, ClinGen allele CA458871202.
Genomic context (GRCh38, chr7:150,950,214, plus strand): 5'-CCCCCACCCCATACCCAGGATGGCCACGACGACGTCGCCCCGCAGGATCTCGATGGAGCC[C>T]CGGGAGATGAAGTACAGGGCGGTGAGCAGGTCCCCAGCATGCACCAGTGTGTCCCCTGGC-3'
Protein context (NP_000229.1, residues 774-794): DLLTALYFIS[Arg784=]GSIEILRGDV

ClinVar aggregate classification (germline): Likely benign (1 of 4 stars; one submission).

Conditions:
Long QT syndrome (LQTS). Identifiers: MedGen C0023976, MeSH D008133, MONDO:0002442. Disease mechanism: loss of function. Inheritance: Various modes of inheritance.

Submission:

All of Us Research Program, National Institutes of Health
Classification: Likely benign for Long QT syndrome. Last evaluated: 2023-10-02. Review status: criteria provided, single submitter. Criteria: ACMG Guidelines, 2015. Collection method: clinical testing. Allele origin: germline. Inheritance: Autosomal dominant inheritance. Observed: 1 variant allele, 1 heterozygote.
Comment: This study involves interpretation of variants in research participants for the purpose of population health screening. Participant phenotype was not available at the time of variant classification. Additional details can be found in publication PMID: 35346344, PMCID: PMC8962531